The following is an entry in ClinVar:

ClinVar aggregate classification (germline): Uncertain significance (1 of 4 stars; one submission).

gnomAD v4.1: 1 of 1,584,104 alleles (0.000063%); highest among the groups gnomAD compares: Non-Finnish European, 0.000085%; no homozygotes.

Submission:

Ambry Genetics
Classification: Uncertain significance. Last evaluated: 2026-07-26. Review status: criteria provided, single submitter. Criteria: Ambry Variant Classification Scheme 2023. Collection method: clinical testing. Allele origin: germline.
Comment: The p.P692L variant (also known as c.2075C>T), located in coding exon 9 of the WNK2 gene, results from a C to T substitution at nucleotide position 2075. The proline at codon 692 is replaced by leucine, an amino acid with similar properties. This amino acid position is conserved. In addition, this alteration is predicted to be tolerated by in silico analysis. Based on the available evidence, the clinical significance of this variant remains unclear.

NM_006648.4(WNK2):c.2075C>T (p.Pro692Leu)

Gene: WNK2 (WNK lysine deficient protein kinase 2; plus strand). Cytogenetic location: 9q22.31.
Variant type: single nucleotide variant.
Coding change: c.2075C>T on transcript NM_006648.4 (MANE Select); coding-DNA position 2075, C replaced by T.
Protein change: p.Pro692Leu; replaces proline 692 with leucine.
Molecular consequence: missense variant.
Genome position (GRCh38, 1-based): chr9:93,256,339, C>T. VCF-style: chr9-93256339-C-T. GRCh37 (hg19) VCF-style: chr9-96018621-C-T.
Other names: c.2075C>T, p.Pro692Leu (NM_001282394.3); short protein forms P692L.
Identifiers: ClinVar variation 5031884 (VCV005031884.1).